The following is an entry in ClinVar:

GRCh38/hg38 13q31.3-32.1(chr13:89549510-96657834)x1

Genes: ABCC4 (ATP binding cassette subfamily C member 4 (PEL blood group); minus strand), CLDN10 (claudin 10; plus strand), CLDN10-AS1 (CLDN10 antisense RNA 1; minus strand), DCT (dopachrome tautomerase; minus strand), DNAJC3 (DnaJ heat shock protein family (Hsp40) member C3; plus strand) and 85 more. Cytogenetic location: 13q31.3-32.1.
Variant type: copy number loss.
Change: copy number 1 (one copy instead of two) of chr13:89,549,510-96,657,834 (7.11 Mb, GRCh38 coordinates, 1-based), cytogenetic band 13q31.3-32.1.
Identifiers: ClinVar variation 57679 (VCV000057679.1).

ClinVar aggregate classification (germline): Pathogenic (1 of 4 stars; one submission).

Submission:

ISCA site 17
Classification: Pathogenic. Last evaluated: 2011-08-12. Review status: criteria provided, single submitter. Criteria: Kaminsky et al. (Genet Med. 2011). Collection method: clinical testing. Allele origin: unknown. Affected: yes. Observed: 1 variant allele.
Comment: Copy number variation identified through the course of routine clinical cytogenomic testing in postnatal populations. Clinical assertions have been curated as described in Kaminsky et al. 2011.